The following is an entry in ClinVar:

NM_001267550.2(TTN):c.100934T>C (p.Ile33645Thr)

Genes: TTN (titin; minus strand), TTN-AS1 (TTN antisense RNA 1; plus strand). Cytogenetic location: 2q31.2.
Variant type: single nucleotide variant.
Coding change: c.100934T>C on transcript NM_001267550.2 (MANE Select); coding-DNA position 100934, T replaced by C.
Protein change: p.Ile33645Thr; replaces isoleucine 33645 with threonine.
Molecular consequence: missense variant.
Genome position (GRCh38, 1-based): chr2:178,535,681, A>G on the plus strand (T>C on the coding strand, the complement: TTN is on the minus strand). VCF-style: chr2-178535681-A-G. GRCh37 (hg19) VCF-style: chr2-179400408-A-G.
Other names: c.96011T>C, p.Ile32004Thr (NM_001256850.1); c.73739T>C, p.Ile24580Thr (NM_003319.4); c.93230T>C, p.Ile31077Thr (NM_133378.4); c.74114T>C, p.Ile24705Thr (NM_133432.3); c.74315T>C, p.Ile24772Thr (NM_133437.4); short protein forms I24705T, I32004T, I24772T, I31077T, I24580T, I33645T.
Identifiers: ClinVar variation 2940831 (VCV002940831.3), dbSNP rs1691122831, ClinGen allele CA349422369.

ClinVar aggregate classification (germline): Uncertain significance (1 of 4 stars; one submission).

Conditions:
Dilated cardiomyopathy 1G (CMD1G). Identifiers: Orphanet 154, MedGen C1858763, MONDO:0011400, OMIM 604145.
Autosomal recessive limb-girdle muscular dystrophy type 2J (LGMDR10). Also called: Limb-girdle muscular dystrophy, type 2J; MUSCULAR DYSTROPHY, LIMB-GIRDLE, AUTOSOMAL RECESSIVE 10. Identifiers: Orphanet 140922, MedGen C1837342, MONDO:0012127, OMIM 608807.

Allele frequency attached by ClinVar (database versions not stated): gnomAD exomes below 0.00001; TOPMed below 0.00001; gnomAD 0.00001.
gnomAD v4.1: 4 of 1,613,682 alleles (0.00025%); highest among the groups gnomAD compares: East Asian, 0.0022%; no homozygotes.

Submission:

Labcorp Genetics (formerly Invitae), Labcorp
Classification: Uncertain significance for Dilated cardiomyopathy 1G; Autosomal recessive limb-girdle muscular dystrophy type 2J. Last evaluated: 2024-03-28. Review status: criteria provided, single submitter. Criteria: Invitae Variant Classification Sherloc (09022015). Collection method: clinical testing. Allele origin: germline.
Comment: This sequence change replaces isoleucine, which is neutral and non-polar, with threonine, which is neutral and polar, at codon 33645 of the TTN protein (p.Ile33645Thr). This variant is not present in population databases (gnomAD no frequency). This variant has not been reported in the literature in individuals affected with TTN-related conditions. Experimental studies and prediction algorithms are not available or were not evaluated, and the functional significance of this variant is currently unknown. This variant is located in the M band of TTN (PMID: 25589632). Non-truncating variants in this region may be relevant for neuromuscular disorders, but have not been definitively shown to cause cardiomyopathy (PMID: 23975875). In summary, the available evidence is currently insufficient to determine the role of this variant in disease. Therefore, it has been classified as a Variant of Uncertain Significance.

Literature cited by the submitters: PubMed 25589632; PubMed 23975875.